The following is an entry in ClinVar:

NM_001042492.3(NF1):c.8490C>G (p.Phe2830Leu)

Gene: NF1 (neurofibromin 1; plus strand). Cytogenetic location: 17q11.2.
Variant type: single nucleotide variant.
Coding change: c.8490C>G on transcript NM_001042492.3 (MANE Select); coding-DNA position 8490, C replaced by G.
Protein change: p.Phe2830Leu; replaces phenylalanine 2830 with leucine.
Molecular consequence: missense variant.
Genome position (GRCh38, 1-based): chr17:31,374,125, C>G. VCF-style: chr17-31374125-C-G. GRCh37 (hg19) VCF-style: chr17-29701143-C-G.
Other names: c.8427C>G, p.Phe2809Leu (NM_000267.4); short protein forms F2830L, F2809L.
Identifiers: ClinVar variation 573828 (VCV000573828.9), dbSNP rs760550772, ClinGen allele CA399206089.

ClinVar aggregate classification (germline): Conflicting classifications of pathogenicity. Review status: criteria provided, conflicting classifications (1 of 4 stars). 2 submissions from 2 submitters: Uncertain significance (1); Likely benign (1). Last evaluated 2026-07-10.

Conditions:
Hereditary cancer-predisposing syndrome. Also called: Neoplastic Syndromes, Hereditary; Hereditary Cancer Syndrome; Hereditary neoplastic syndrome; Tumor predisposition. Identifiers: Orphanet 140162, MedGen C0027672, MeSH D009386, MONDO:0015356.
Cardiovascular phenotype. Identifiers: MedGen CN230736.
Neurofibromatosis, type 1 (NF1). Also called: VON RECKLINGHAUSEN DISEASE; Neurofibromatosis, type I; Peripheral type neurofibromatosis; NEUROFIBROMATOSIS, TYPE I, SOMATIC. Identifiers: Orphanet 636, MedGen C0027831, MONDO:0018975, OMIM 162200. Disease mechanism: loss of function.

Submissions (2):

Ambry Genetics
Classification: Likely benign for Cardiovascular phenotype; Hereditary cancer-predisposing syndrome. Last evaluated: 2026-07-10. Review status: criteria provided, single submitter. Criteria: Ambry Variant Classification Scheme 2023. Collection method: clinical testing. Allele origin: germline.

Labcorp Genetics (formerly Invitae), Labcorp
Classification: Uncertain significance for Neurofibromatosis, type 1. Last evaluated: 2021-10-18. Review status: criteria provided, single submitter. Criteria: Invitae Variant Classification Sherloc (09022015). Collection method: clinical testing. Allele origin: germline.
Comment: In summary, the available evidence is currently insufficient to determine the role of this variant in disease. Therefore, it has been classified as a Variant of Uncertain Significance. Algorithms developed to predict the effect of missense changes on protein structure and function are either unavailable or do not agree on the potential impact of this missense change (SIFT: "Tolerated"; PolyPhen-2: "Probably Damaging"; Align-GVGD: "Class C0"). ClinVar contains an entry for this variant (Variation ID: 573828). This variant has not been reported in the literature in individuals affected with NF1-related conditions. This variant is not present in population databases (ExAC no frequency). This sequence change replaces phenylalanine with leucine at codon 2809 of the NF1 protein (p.Phe2809Leu). The phenylalanine residue is moderately conserved and there is a small physicochemical difference between phenylalanine and leucine.